The following is an entry in ClinVar:

ClinVar aggregate classification (germline): Uncertain significance (1 of 4 stars; one submission).

gnomAD v4.1: 8 of 1,604,504 alleles (0.0005%); highest among the groups gnomAD compares: African/African-American, 0.0013%; no homozygotes.

Submission:

Labcorp Genetics (formerly Invitae), Labcorp
Classification: Uncertain significance. Last evaluated: 2022-11-11. Review status: criteria provided, single submitter. Criteria: Invitae Variant Classification Sherloc (09022015). Collection method: clinical testing. Allele origin: germline.
Comment: This variant is present in population databases (no rsID available, gnomAD 0.007%). This sequence change replaces methionine, which is neutral and non-polar, with threonine, which is neutral and polar, at codon 730 of the MERTK protein (p.Met730Thr). This variant has not been reported in the literature in individuals affected with MERTK-related conditions. Algorithms developed to predict the effect of missense changes on protein structure and function (SIFT, PolyPhen-2, Align-GVGD) all suggest that this variant is likely to be disruptive. In summary, the available evidence is currently insufficient to determine the role of this variant in disease. Therefore, it has been classified as a Variant of Uncertain Significance.

NM_006343.3(MERTK):c.2189T>C (p.Met730Thr)

Gene: MERTK (MER proto-oncogene, tyrosine kinase; plus strand). Cytogenetic location: 2q13.
Variant type: single nucleotide variant.
Coding change: c.2189T>C on transcript NM_006343.3 (MANE Select); coding-DNA position 2189, T replaced by C.
Protein change: p.Met730Thr; replaces methionine 730 with threonine.
Molecular consequence: missense variant.
Genome position (GRCh38, 1-based): chr2:112,019,522, T>C. VCF-style: chr2-112019522-T-C. GRCh37 (hg19) VCF-style: chr2-112777099-T-C.
Other names: short protein forms M730T.
Identifiers: ClinVar variation 2813486 (VCV002813486.3), dbSNP rs1209105449, ClinGen allele CA348237019.